The following is an entry in ClinVar:

NM_032656.4(DHX37):c.2626G>A (p.Glu876Lys)

Gene: DHX37 (DEAH-box helicase 37; minus strand). Cytogenetic location: 12q24.31.
Variant type: single nucleotide variant.
Coding change: c.2626G>A on transcript NM_032656.4 (MANE Select); coding-DNA position 2626, G replaced by A.
Protein change: p.Glu876Lys; replaces glutamic acid 876 with lysine.
Molecular consequence: missense variant.
Genome position (GRCh38, 1-based): chr12:124,953,949, C>T on the plus strand (G>A on the coding strand, the complement: DHX37 is on the minus strand). VCF-style: chr12-124953949-C-T. GRCh37 (hg19) VCF-style: chr12-125438495-C-T.
Other names: short protein forms E876K.
Identifiers: ClinVar variation 2594850 (VCV002594850.4), dbSNP rs370040418, ClinGen allele CA245252277.

ClinVar aggregate classification (germline): Uncertain significance. Review status: criteria provided, multiple submitters, no conflicts (2 of 4 stars). 2 submissions from 2 submitters: Uncertain significance (2). Last evaluated 2025-09-10.

Conditions:
Inborn genetic diseases. Identifiers: MedGen C0950123, MeSH D030342.

Allele frequency attached by ClinVar (database versions not stated): TOPMed 0.00004; gnomAD 0.00007; ESP Exome Variant Server 0.00008.
gnomAD v4.1: 52 of 1,613,264 alleles (0.0032%); highest among the groups gnomAD compares: African/African-American, 0.012%; no homozygotes.

Submissions (2):

Labcorp Genetics (formerly Invitae), Labcorp
Classification: Uncertain significance. Last evaluated: 2025-09-10. Review status: criteria provided, single submitter. Criteria: Invitae Variant Classification Sherloc (09022015). Collection method: clinical testing. Allele origin: germline.
Comment: This sequence change replaces glutamic acid, which is acidic and polar, with lysine, which is basic and polar, at codon 876 of the DHX37 protein (p.Glu876Lys). This variant is present in population databases (rs370040418, gnomAD 0.002%). This variant has not been reported in the literature in individuals affected with DHX37-related conditions. ClinVar contains an entry for this variant (Variation ID: 2594850). Invitae Evidence Modeling of protein sequence and biophysical properties (such as structural, functional, and spatial information, amino acid conservation, physicochemical variation, residue mobility, and thermodynamic stability) indicates that this missense variant is not expected to disrupt DHX37 protein function with a negative predictive value of 80%. In summary, the available evidence is currently insufficient to determine the role of this variant in disease. Therefore, it has been classified as a Variant of Uncertain Significance.

Ambry Genetics
Classification: Uncertain significance for Inborn genetic diseases. Last evaluated: 2025-08-14. Review status: criteria provided, single submitter. Criteria: Ambry Variant Classification Scheme 2023. Collection method: clinical testing. Allele origin: germline.